The following is an entry in ClinVar:

ClinVar aggregate classification (germline): Uncertain significance (1 of 4 stars; one submission).

Conditions:
BBS9-related disorder. Also called: BBS9-related condition.

gnomAD v4.1: 1 of 1,613,876 alleles (0.000062%); highest among the groups gnomAD compares: Admixed American, 0.0017%; no homozygotes.

Submission:

PreventionGenetics, part of Exact Sciences
Classification: Uncertain significance for BBS9-related condition. Last evaluated: 2026-06-06. Review status: criteria provided, single submitter. Criteria: ACMG Guidelines, 2015. Collection method: clinical testing. Allele origin: germline.
Comment: The BBS9 c.22G>A variant is predicted to result in the amino acid substitution p.Asp8Asn. To our knowledge, this variant has not been reported in the literature. This variant is reported in 0.0029% of alleles in individuals of Latino descent in gnomAD. At this time, the clinical significance of this variant is uncertain due to the absence of conclusive functional and genetic evidence.

NM_198428.3(BBS9):c.22G>A (p.Asp8Asn)

Gene: BBS9 (Bardet-Biedl syndrome 9; plus strand). Cytogenetic location: 7p14.3.
Variant type: single nucleotide variant.
Coding change: c.22G>A on transcript NM_198428.3 (MANE Select); coding-DNA position 22, G replaced by A.
Protein change: p.Asp8Asn; replaces aspartic acid 8 with asparagine.
Molecular consequence: missense variant. On other transcripts: 5 prime UTR variant (3), non-coding transcript variant (3), intron variant (4).
Genome position (GRCh38, 1-based): chr7:33,146,274, G>A. VCF-style: chr7-33146274-G-A. GRCh37 (hg19) VCF-style: chr7-33185886-G-A.
Other names: c.22G>A, p.Asp8Asn (NM_001033604.2, NM_001033605.2, NM_001348036.1 and 5 more transcripts); c.-280G>A (NM_001348037.3); c.-256G>A (NM_001348038.3, NM_001348039.3); c.-23-6427G>A (NM_001348042.3); c.-189-6427G>A (NM_001348045.3); c.-39+16233G>A (NM_001348046.3, NM_001348044.3); short protein forms D8N.
Identifiers: ClinVar variation 3358849 (VCV003358849.2).